The following is an entry in ClinVar:

NM_005677.4(COLQ):c.393+1G>A

Gene: COLQ (collagen like tail subunit of asymmetric acetylcholinesterase; minus strand). Cytogenetic location: 3p25.1.
Variant type: single nucleotide variant.
Coding change: c.393+1G>A on transcript NM_005677.4 (MANE Select); the canonical splice donor site of the intron after coding-DNA position 393, G replaced by A.
Molecular consequence: splice donor variant.
Genome position (GRCh38, 1-based): chr3:15,478,976, C>T on the plus strand (G>A on the coding strand, the complement: COLQ is on the minus strand). VCF-style: chr3-15478976-C-T. GRCh37 (hg19) VCF-style: chr3-15520483-C-T.
Other names: c.291+1G>A (NM_080539.4); c.363+1G>A (NM_080538.2).
Identifiers: ClinVar variation 426775 (VCV000426775.13), dbSNP rs1085307792, ClinGen allele CA351599494.

ClinVar aggregate classification (germline): Pathogenic. Review status: criteria provided, multiple submitters, no conflicts (2 of 4 stars). 5 submissions from 5 submitters: Pathogenic (5). Last evaluated 2025-02-24.

Conditions:
Congenital myasthenic syndrome (CMS). Also called: Congenital Myasthenic Syndromes. Identifiers: Orphanet 590, MedGen C0751882, MeSH D020294, MONDO:0018940.
Congenital myasthenic syndrome 5. Identifiers: Orphanet 590, MedGen C1864233, MONDO:0011281, OMIM 603034.

Allele frequency attached by ClinVar (database versions not stated): gnomAD exomes below 0.00001.
gnomAD v4.1: 1 of 1,614,196 alleles (0.000062%); highest among the groups gnomAD compares: East Asian, 0.0022%; no homozygotes.

Submissions (5):

Labcorp Genetics (formerly Invitae), Labcorp
Classification: Pathogenic for Congenital myasthenic syndrome 5. Last evaluated: 2025-02-24. Review status: criteria provided, single submitter. Criteria: Invitae Variant Classification Sherloc (09022015). Collection method: clinical testing. Allele origin: germline.
Comment: This sequence change affects a donor splice site in intron 5 of the COLQ gene. It is expected to disrupt RNA splicing. Variants that disrupt the donor or acceptor splice site typically lead to a loss of protein function (PMID: 16199547), and loss-of-function variants in COLQ are known to be pathogenic (PMID: 22678886). This variant is present in population databases (no rsID available, gnomAD 0.006%). Disruption of this splice site has been observed in individuals with congenital myasthenia syndrome (PMID: 32978031, 33756069, 34912755). ClinVar contains an entry for this variant (Variation ID: 426775). Studies have shown that disruption of this splice site alters COLQ gene expression (PMID: 34912755). Algorithms developed to predict the effect of sequence changes on RNA splicing suggest that this variant may disrupt the consensus splice site. For these reasons, this variant has been classified as Pathogenic.

Victorian Clinical Genetics Services, Murdoch Childrens Research Institute
Classification: Pathogenic for Congenital myasthenic syndrome 5. Last evaluated: 2024-10-09. Review status: criteria provided, single submitter. Criteria: ACMG Guidelines, 2015. Collection method: clinical testing. Allele origin: germline. Inheritance: Autosomal recessive inheritance. Affected: yes.
Comment: Based on the classification scheme VCGS_Germline_v1.3.5, this variant is classified as Pathogenic. Following criteria are met: 0102 - Loss of function is a known mechanism of disease in this gene and is associated with congenital myasthenic syndrome 5 (MIM#603034). (I) 0106 - This gene is associated with autosomal recessive disease. (I) 0209 - Splice site variant proven to affect splicing of the transcript with uncertain effect on protein sequence. This variant has been demonstrated via RT-PCR to result in the in-frame deletion of exon 5 which consists of nine amino acids (PMID: 34912755). The deletion is predicted to affect the collagen domain (DECIPHER). (SP) 0251 - This variant is heterozygous. (I) 0304 - Variant is present in gnomAD (v4) <0.01 for a recessive condition (1 heterozygote, 0 homozygotes). (SP) 0801 - This variant has very strong previous evidence of pathogenicity in unrelated individuals. This variant has been classified as likely pathogenic or pathogenic by multiple clinical diagnostic laboratories (ClinVar). It has also been reported as homozygous or compound heterozygous in multiple individuals with congenital myasthenic syndrome (PMIDs: 32978031, 34912755). (SP) 1201 - Heterozygous variant detected in trans with a second pathogenic heterozygous variant (NM_005677.3(COLQ): c.954+1G>A) in a recessive disease. (I) Legend: (SP) - Supporting pathogenic, (I) - Information, (SB) - Supporting benign

Baylor Genetics
Classification: Pathogenic for Congenital myasthenic syndrome 5. Last evaluated: 2024-01-29. Review status: criteria provided, single submitter. Criteria: ACMG Guidelines, 2015. Collection method: clinical testing. Allele origin: unknown.

Women's Health and Genetics/Laboratory Corporation of America, LabCorp
Classification: Pathogenic for Congenital myasthenic syndrome. Last evaluated: 2022-11-11. Review status: criteria provided, single submitter. Criteria: LabCorp Variant Classification Summary - May 2015. Collection method: clinical testing. Allele origin: germline.
Comment: Variant summary: COLQ c.393+1G>A is located in a canonical splice-site and is predicted to affect mRNA splicing resulting in a significantly altered protein due to either exon skipping, shortening, or inclusion of intronic material. Several computational tools predict a significant impact on normal splicing: Four predict the variant abolishes a 5' canonical splicing donor site. At least one publication reports experimental evidence that this variant affects mRNA splicing, resulting in a deletion of 27 bp (Luo_2021). The variant allele was found at a frequency of 4e-06 in 251346 control chromosomes. c.393+1G>A has been reported in the literature in multiple individuals affected with Congenital Myasthenic Syndrome (Yueng_2010, Pattrakornkul_2020, Zhao_2021, Luo_2021), including both homozygous and compound heterozygous individuals. These data indicate that the variant is very likely to be associated with disease. Two clinical diagnostic laboratories have submitted clinical-significance assessments for this variant to ClinVar after 2014 and classified the variant as pathogenic/likely pathogenic. Based on the evidence outlined above, the variant was classified as pathogenic.

GeneDx
Classification: Pathogenic. Last evaluated: 2017-04-05. Review status: criteria provided, single submitter. Criteria: GeneDx Variant Classification (06012015). Collection method: clinical testing. Allele origin: germline. Affected: yes.
Comment: The c.393+1 G>A splice site variant in the COLQ gene has been previously reported in the compound heterozygous state with another pathogenic COLQ variant in siblings with congenital myasthenia syndrome (Yeung et al., 2010). This pathogenic variant destroys the canonical splice donor site in intron 5, and is expected to cause abnormal gene splicing. The c.393+1 G>A variant occurs at a position that is conserved across species. Furthermore, this variant is not observed in large population cohorts (Lek et al., 2016; 1000 Genomes Consortium et al., 2015; Exome Variant Server). We interpret c.393+1 G>A as a pathogenic variant.

Literature cited by the submitters: PubMed 16199547 (cited by Labcorp Genetics (formerly Invitae), Labcorp); PubMed 22678886 (cited by Labcorp Genetics (formerly Invitae), Labcorp); PubMed 32978031 (cited by 3 submitters); PubMed 33756069 (cited by Labcorp Genetics (formerly Invitae), Labcorp and Women's Health and Genetics/Laboratory Corporation of America, LabCorp); PubMed 34912755 (cited by 3 submitters); PubMed 20370815 (cited by Women's Health and Genetics/Laboratory Corporation of America, LabCorp).